The following is an entry in ClinVar:

ClinVar aggregate classification (germline): Conflicting classifications of pathogenicity. Review status: criteria provided, conflicting classifications (1 of 4 stars). 2 submissions from 2 submitters: Pathogenic (1); Uncertain significance (1). Last evaluated 2023-06-28.

Allele frequency attached by ClinVar (database versions not stated): gnomAD 0.00001; gnomAD exomes 0.00001; ExAC 0.00002.

Submissions (2):

Blueprint Genetics
Classification: Uncertain significance. Last evaluated: 2023-06-28. Review status: criteria provided, single submitter. Criteria: ACMG Guidelines, 2015. Collection method: clinical testing. Allele origin: germline.

Labcorp Genetics (formerly Invitae), Labcorp
Classification: Pathogenic. Last evaluated: 2021-06-08. Review status: criteria provided, single submitter. Criteria: Invitae Variant Classification Sherloc (09022015). Collection method: clinical testing. Allele origin: germline.
Comment: This variant has been observed in individual(s) with clinical features of primary microcephaly (PMID: 28973348, Invitae). It has also been observed to segregate with disease in related individuals. This sequence change replaces serine with leucine at codon 244 of the WDR62 protein (p.Ser244Leu). The serine residue is highly conserved and there is a large physicochemical difference between serine and leucine. This variant is present in population databases (rs754812284, ExAC 0.003%). Experimental studies have shown that this variant affects WDR62 protein function (PMID: 28973348). For these reasons, this variant has been classified as Pathogenic.

Literature cited by the submitters: PubMed 28973348 (cited by Labcorp Genetics (formerly Invitae), Labcorp).

NM_001083961.2(WDR62):c.731C>T (p.Ser244Leu)

Gene: WDR62 (WD repeat domain 62; plus strand). Cytogenetic location: 19q13.12.
Variant type: single nucleotide variant.
Coding change: c.731C>T on transcript NM_001083961.2 (MANE Select); coding-DNA position 731, C replaced by T.
Protein change: p.Ser244Leu; replaces serine 244 with leucine.
Molecular consequence: missense variant.
Genome position (GRCh38, 1-based): chr19:36,067,859, C>T. VCF-style: chr19-36067859-C-T. GRCh37 (hg19) VCF-style: chr19-36558761-C-T.
Other names: c.731C>T, p.Ser244Leu (NM_173636.5); short protein forms S244L.
Identifiers: ClinVar variation 1429461 (VCV001429461.9), dbSNP rs754812284, ClinGen allele CA9395370.